The following is an entry in ClinVar:

ClinVar aggregate classification (germline): Likely benign. Review status: criteria provided, multiple submitters, no conflicts (2 of 4 stars). 3 submissions from 3 submitters: Likely benign (2). 1 of the submissions does not count toward it. Last evaluated 2024-12-10.

Conditions:
RAI1-related disorder. Also called: RAI1-related condition.

Allele frequency attached by ClinVar (database versions not stated): gnomAD exomes 0.00001; TOPMed 0.00001; gnomAD 0.00002.
gnomAD v4.1: 10 of 1,613,386 alleles (0.00062%); highest among the groups gnomAD compares: Non-Finnish European, 0.00085%; no homozygotes.

Submissions (3):

Women's Health and Genetics/Laboratory Corporation of America, LabCorp
Classification: Likely benign. Last evaluated: 2024-12-10. Review status: criteria provided, single submitter. Criteria: LabCorp Variant Classification Summary - May 2015. Collection method: clinical testing. Allele origin: germline.

Labcorp Genetics (formerly Invitae), Labcorp
Classification: Likely benign. Last evaluated: 2022-03-20. Review status: criteria provided, single submitter. Criteria: Invitae Variant Classification Sherloc (09022015). Collection method: clinical testing. Allele origin: germline.

PreventionGenetics, part of Exact Sciences
Classification: Likely benign for RAI1-related condition. Last evaluated: 2024-06-24. Review status: no assertion criteria provided. Collection method: clinical testing. Allele origin: germline. Not counted in ClinVar's aggregate classification.
Comment: This variant is classified as likely benign based on ACMG/AMP sequence variant interpretation guidelines (Richards et al. 2015 PMID: 25741868, with internal and published modifications).

NM_030665.4(RAI1):c.4560A>G (p.Thr1520=)

Gene: RAI1 (retinoic acid induced 1; plus strand). Cytogenetic location: 17p11.2.
Variant type: single nucleotide variant.
Coding change: c.4560A>G on transcript NM_030665.4 (MANE Select); coding-DNA position 4560, A replaced by G.
Protein change: p.Thr1520=; no amino-acid change (threonine 1520 retained).
Molecular consequence: synonymous variant.
Genome position (GRCh38, 1-based): chr17:17,797,508, A>G. VCF-style: chr17-17797508-A-G. GRCh37 (hg19) VCF-style: chr17-17700822-A-G.
Other names: c.4560A>G (NM_030665.3).
Identifiers: ClinVar variation 2174635 (VCV002174635.6), dbSNP rs943660916, ClinGen allele CA288371276.